The following is an entry in ClinVar:

NM_000481.4(AMT):c.826G>C (p.Asp276His)

Gene: AMT (aminomethyltransferase; minus strand). Cytogenetic location: 3p21.31.
Variant type: single nucleotide variant.
Coding change: c.826G>C on transcript NM_000481.4 (MANE Select); coding-DNA position 826, G replaced by C.
Protein change: p.Asp276His; replaces aspartic acid 276 with histidine.
Molecular consequence: missense variant. On other transcripts: non-coding transcript variant (1).
Genome position (GRCh38, 1-based): chr3:49,419,022, C>G on the plus strand (G>C on the coding strand, the complement: AMT is on the minus strand). VCF-style: chr3-49419022-C-G. GRCh37 (hg19) VCF-style: chr3-49456455-C-G.
Other names: c.694G>C, p.Asp232His (NM_001164710.2); c.658G>C, p.Asp220His (NM_001164711.2); c.826G>C, p.Asp276His (NM_001164712.2); short protein forms D276H, D220H, D232H.
Identifiers: ClinVar variation 11978 (VCV000011978.11), dbSNP rs121964984, ClinGen allele CA256150.

ClinVar aggregate classification (germline): Pathogenic. Review status: criteria provided, multiple submitters, no conflicts (2 of 4 stars). 5 submissions from 5 submitters: Pathogenic (3). 2 of the submissions do not count toward it. Last evaluated 2025-10-06.

Conditions:
Glycine encephalopathy 2 (GCE2). Identifiers: MedGen C5830559, MONDO:0958192, OMIM 620398.
Glycine encephalopathy 1 (GCE1). Identifiers: MedGen CN376801, MONDO:0958179, OMIM 605899.
Glycine encephalopathy. Also called: Non-ketotic hyperglycinemia; Nonketotic hyperglycinemia. Identifiers: Orphanet 407, MedGen C0751748, MONDO:0011612, HP:0008288.

Allele frequency attached by ClinVar (database versions not stated): gnomAD exomes 0.00001 and below 0.00001; TOPMed below 0.00001; ExAC 0.00001.
gnomAD v4.1: 3 of 1,614,080 alleles (0.00019%); highest among the groups gnomAD compares: East Asian, 0.0067%; no homozygotes.

Submissions (5):

Labcorp Genetics (formerly Invitae), Labcorp
Classification: Pathogenic for Glycine encephalopathy. Last evaluated: 2025-10-06. Review status: criteria provided, single submitter. Criteria: Invitae Variant Classification Sherloc (09022015). Collection method: clinical testing. Allele origin: germline.
Comment: This sequence change replaces aspartic acid, which is acidic and polar, with histidine, which is basic and polar, at codon 276 of the AMT protein (p.Asp276His). This variant is present in population databases (rs121964984, gnomAD 0.02%). This missense change has been observed in individual(s) with glycine encephalopathy (PMID: 16450403, 25231368, 26179960). ClinVar contains an entry for this variant (Variation ID: 11978). Invitae Evidence Modeling of protein sequence and biophysical properties (such as structural, functional, and spatial information, amino acid conservation, physicochemical variation, residue mobility, and thermodynamic stability) indicates that this missense variant is expected to disrupt AMT protein function with a positive predictive value of 95%. Experimental studies have shown that this missense change affects AMT function (PMID: 23352163). For these reasons, this variant has been classified as Pathogenic.

Baylor Genetics
Classification: Pathogenic for Glycine encephalopathy 1. Last evaluated: 2023-09-12. Review status: criteria provided, single submitter. Criteria: ACMG Guidelines, 2015. Collection method: clinical testing. Allele origin: unknown.

Juno Genomics, Hangzhou Juno Genomics, Inc
Classification: Pathogenic for Glycine encephalopathy 2. Review status: criteria provided, single submitter. Criteria: ACMG Guidelines, 2015. Collection method: clinical testing. Allele origin: germline.
Comment: Absent from controls (or at extremely low frequency if recessive) in Genome Aggregation Database.;Multiple lines of computational evidence support a deleterious effect on the gene or gene product.;For recessive disorders, detected in trans with a pathogenic variant.;Patient's phenotype or family history is highly specific for a disease with a single genetic etiology.

Counsyl
Classification: Likely pathogenic for Glycine encephalopathy 1. Last evaluated: 2017-10-17. Review status: no assertion criteria provided. Collection method: clinical testing. Allele origin: unknown. Not counted in ClinVar's aggregate classification.

OMIM
Classification: Pathogenic for GLYCINE ENCEPHALOPATHY 2. Last evaluated: 1998-01-01. Review status: no assertion criteria provided. Collection method: literature only. Allele origin: germline. Not counted in ClinVar's aggregate classification.

Literature cited by the submitters: PubMed 16450403 (cited by Labcorp Genetics (formerly Invitae), Labcorp and Counsyl); PubMed 25231368 (cited by Labcorp Genetics (formerly Invitae), Labcorp and Counsyl); PubMed 26179960 (cited by Labcorp Genetics (formerly Invitae), Labcorp and Counsyl); PubMed 23352163 (cited by Labcorp Genetics (formerly Invitae), Labcorp and Counsyl); PubMed 9621520 (cited by Counsyl and OMIM).